The following is an entry in ClinVar:

ClinVar aggregate classification (germline): Uncertain significance. Review status: criteria provided, multiple submitters, no conflicts (2 of 4 stars). 5 submissions from 5 submitters: Uncertain significance (5). Last evaluated 2025-10-21.

Conditions:
PRX-related disorder. Also called: PRX-related condition; PRX-Related Disorders.
Inborn genetic diseases. Identifiers: MedGen C0950123, MeSH D030342.
Charcot-Marie-Tooth disease type 4. Also called: Charcot-Marie-Tooth disease, type IV; Charcot-Marie-Tooth, Type 4. Identifiers: Orphanet 64749, MedGen C4082197, MONDO:0018995.

Allele frequency attached by ClinVar (database versions not stated): gnomAD exomes below 0.00001 and 0.00003; ExAC 0.00001; gnomAD 0.00002; TOPMed 0.00005.
gnomAD v4.1: 43 of 1,611,636 alleles (0.0027%); highest among the groups gnomAD compares: Admixed American, 0.0067%; no homozygotes.

Submissions (5):

PreventionGenetics, part of Exact Sciences
Classification: Uncertain significance for PRX-related condition. Last evaluated: 2025-10-21. Review status: criteria provided, single submitter. Criteria: ACMG Guidelines, 2015. Collection method: clinical testing. Allele origin: germline.
Comment: The PRX c.3646G>A variant is predicted to result in the amino acid substitution p.Val1216Met. To our knowledge, this variant has not been reported in the literature. This variant is reported in 0.00088% of alleles in individuals of European (Non-Finnish) descent in gnomAD. At this time, the clinical significance of this variant is uncertain due to the absence of conclusive functional and genetic evidence.

Ambry Genetics
Classification: Uncertain significance for Inborn genetic diseases. Last evaluated: 2023-11-03. Review status: criteria provided, single submitter. Criteria: Ambry Variant Classification Scheme 2023. Collection method: clinical testing. Allele origin: germline.

Labcorp Genetics (formerly Invitae), Labcorp
Classification: Uncertain significance for Charcot-Marie-Tooth disease type 4. Last evaluated: 2022-03-19. Review status: criteria provided, single submitter. Criteria: Invitae Variant Classification Sherloc (09022015). Collection method: clinical testing. Allele origin: germline.
Comment: This sequence change replaces valine, which is neutral and non-polar, with methionine, which is neutral and non-polar, at codon 1216 of the PRX protein (p.Val1216Met). The frequency data for this variant in the population databases is considered unreliable, as metrics indicate poor data quality at this position in the gnomAD database. This variant has not been reported in the literature in individuals affected with PRX-related conditions. ClinVar contains an entry for this variant (Variation ID: 994142). Algorithms developed to predict the effect of missense changes on protein structure and function are either unavailable or do not agree on the potential impact of this missense change (SIFT: "Tolerated"; PolyPhen-2: "Possibly Damaging"; Align-GVGD: "Class C0"). In summary, the available evidence is currently insufficient to determine the role of this variant in disease. Therefore, it has been classified as a Variant of Uncertain Significance.

ARUP Laboratories, Molecular Genetics and Genomics, ARUP Laboratories
Classification: Uncertain significance. Last evaluated: 2019-10-15. Review status: criteria provided, single submitter. Criteria: ARUP Molecular Germline Variant Investigation Process. Collection method: clinical testing. Allele origin: germline.
Comment: The PRX c.3646G>A; p.Val1216Met variant (rs774413102), to our knowledge, is not reported in the medical literature or gene specific databases. This variant is only observed on one allele in the Genome Aggregation Database, indicating it is not a common polymorphism. The valine at codon 1216 is highly conserved, and computational analyses (SIFT, PolyPhen-2) predict that this variant is deleterious. Due to limited information, the clinical significance of the p.Val1216Met variant is uncertain at this time.

Breakthrough Genomics
Classification: Uncertain significance. Review status: criteria provided, single submitter. Criteria: ACMG Guidelines, 2015. Collection method: not provided. Allele origin: germline. Inheritance: Autosomal dominant inheritance. Affected: yes.

NM_181882.3(PRX):c.3646G>A (p.Val1216Met)

Gene: PRX (periaxin; minus strand). Cytogenetic location: 19q13.2.
Variant type: single nucleotide variant.
Coding change: c.3646G>A on transcript NM_181882.3 (MANE Select); coding-DNA position 3646, G replaced by A.
Protein change: p.Val1216Met; replaces valine 1216 with methionine.
Molecular consequence: missense variant. On other transcripts: 3 prime UTR variant (1).
Genome position (GRCh38, 1-based): chr19:40,394,706, C>T on the plus strand (G>A on the coding strand, the complement: PRX is on the minus strand). VCF-style: chr19-40394706-C-T. GRCh37 (hg19) VCF-style: chr19-40900613-C-T.
Other names: c.*3851G>A (NM_020956.2); c.3646G>A (NM_181882.2); short protein forms V1216M.
Identifiers: ClinVar variation 994142 (VCV000994142.15), dbSNP rs774413102, ClinGen allele CA9443822.